The following is an entry in ClinVar:

ClinVar aggregate classification (germline): Conflicting classifications of pathogenicity. Review status: criteria provided, conflicting classifications (1 of 4 stars). 10 submissions from 10 submitters: Uncertain significance (2); Likely benign (5). 3 of the submissions do not count toward it. Last evaluated 2026-01-30.

Conditions:
CARD14-related disorder. Also called: CARD14-related condition.
Autoinflammatory syndrome. Identifiers: Orphanet 93665, MedGen C3890737, MONDO:0019751.
Psoriasis 2. Identifiers: MedGen C1864497, MONDO:0011269, OMIM 602723.
Pityriasis rubra pilaris (PRP). Also called: Pityriasis rubra pilaris--familial type. Identifiers: Orphanet 2897, MedGen C0032027, MONDO:0100017, OMIM 173200, MONDO:0008251.

Allele frequency attached by ClinVar (database versions not stated): gnomAD 0.00015 and 0.00018; TOPMed 0.00017; gnomAD exomes 0.00026.
gnomAD v4.1: 409 of 1,613,536 alleles (0.025%); highest among the groups gnomAD compares: Middle Eastern, 0.28%; 2 homozygotes.

Submissions (10):

Women's Health and Genetics/Laboratory Corporation of America, LabCorp
Classification: Likely benign. Last evaluated: 2026-01-30. Review status: criteria provided, single submitter. Criteria: LabCorp Variant Classification Summary - May 2015. Collection method: clinical testing. Allele origin: germline.
Comment: Variant summary: CARD14 c.2476C>T (p.Arg826Trp) results in a non-conservative amino acid change in the encoded protein sequence. Algorithms developed to predict the effect of missense changes on protein structure and function are either unavailable or do not agree on the potential impact of this missense change. The variant allele was found at a frequency of 0.00028 in 249504 control chromosomes. The observed variant frequency exceeds the estimated maximal expected allele frequency for disease-causing variants in CARD14. To our knowledge, no occurrence of c.2476C>T in individuals affected with CARD14-related conditions and no experimental evidence demonstrating its impact on protein function have been reported. ClinVar contains an entry for this variant (Variation ID: 572536). Based on the evidence outlined above, the variant was classified as likely benign.

Labcorp Genetics (formerly Invitae), Labcorp
Classification: Likely benign for Pityriasis rubra pilaris; Psoriasis 2. Last evaluated: 2025-12-03. Review status: criteria provided, single submitter. Criteria: Invitae Variant Classification Sherloc (09022015). Collection method: clinical testing. Allele origin: germline.

Laboratory of Genetics, Children's Clinical University Hospital Latvia
Classification: Likely benign. Last evaluated: 2025-02-16. Review status: criteria provided, single submitter. Criteria: ACMG Guidelines, 2015. Collection method: clinical testing. Allele origin: germline. Affected: yes.

Blueprint Genetics
Classification: Likely benign. Last evaluated: 2024-11-27. Review status: criteria provided, single submitter. Criteria: ACMG Guidelines, 2015. Collection method: clinical testing. Allele origin: germline.

CeGaT Center for Human Genetics Tuebingen
Classification: Likely benign. Last evaluated: 2024-06-01. Review status: criteria provided, single submitter. Criteria: CeGaT Center For Human Genetics Tuebingen Variant Classification Criteria Version 2. Collection method: clinical testing. Allele origin: germline. Affected: yes. Observed: 2 variant alleles.
Comment: CARD14: BP4, BS1

Mayo Clinic Laboratories, Mayo Clinic
Classification: Uncertain significance. Last evaluated: 2021-05-07. Review status: criteria provided, single submitter. Criteria: ACMG Guidelines, 2015. Collection method: clinical testing. Allele origin: germline.

Genome Diagnostics Laboratory, The Hospital for Sick Children
Classification: Uncertain significance for Autoinflammatory syndrome. Last evaluated: 2019-11-01. Review status: criteria provided, single submitter. Criteria: ACMG Guidelines, 2015. Collection method: clinical testing. Allele origin: germline. Affected: yes.

PreventionGenetics, part of Exact Sciences
Classification: Likely benign for CARD14-related condition. Last evaluated: 2023-02-20. Review status: no assertion criteria provided. Collection method: clinical testing. Allele origin: germline. Not counted in ClinVar's aggregate classification.
Comment: This variant is classified as likely benign based on ACMG/AMP sequence variant interpretation guidelines (Richards et al. 2015 PMID: 25741868, with internal and published modifications).

Clinical Genetics DNA and cytogenetics Diagnostics Lab, Erasmus MC, Erasmus Medical Center
Classification: Likely benign. Review status: no assertion criteria provided. Collection method: clinical testing. Allele origin: germline. Affected: yes. Study: VKGL Data-share Consensus. Not counted in ClinVar's aggregate classification.

Genome Diagnostics Laboratory, University Medical Center Utrecht
Classification: Likely benign. Review status: no assertion criteria provided. Collection method: clinical testing. Allele origin: germline. Affected: yes. Study: VKGL Data-share Consensus. Not counted in ClinVar's aggregate classification.

NM_001366385.1(CARD14):c.2476C>T (p.Arg826Trp)

Genes: CARD14 (caspase recruitment domain family member 14; plus strand), SGSH (N-sulfoglucosamine sulfohydrolase; minus strand), LOC126862662 (MED14-independent group 3 enhancer GRCh37_chr17:78178385-78179584; plus strand). Cytogenetic location: 17q25.3.
Variant type: single nucleotide variant.
Coding change: c.2476C>T on transcript NM_001366385.1 (MANE Select); coding-DNA position 2476, C replaced by T.
Protein change: p.Arg826Trp; replaces arginine 826 with tryptophan.
Molecular consequence: missense variant. On other transcripts: non-coding transcript variant (1).
Genome position (GRCh38, 1-based): chr17:80,205,112, C>T. VCF-style: chr17-80205112-C-T. GRCh37 (hg19) VCF-style: chr17-78178911-C-T.
Other names: c.2476C>T, p.Arg826Trp (NM_024110.4); short protein forms R826W.
Identifiers: ClinVar variation 572536 (VCV000572536.50), dbSNP rs139467141, ClinGen allele CA8817339.